The following is an entry in ClinVar:

ClinVar aggregate classification (germline): Uncertain significance (1 of 4 stars; one submission).

Conditions:
Spastic paraplegia. Identifiers: MedGen C0037772, HP:0001258.

Allele frequency attached by ClinVar (database versions not stated): gnomAD exomes below 0.00001.
gnomAD v4.1: 1 of 1,614,160 alleles (0.000062%); highest among the groups gnomAD compares: South Asian, 0.0011%; no homozygotes.

Submission:

Labcorp Genetics (formerly Invitae), Labcorp
Classification: Uncertain significance for Spastic paraplegia. Last evaluated: 2022-08-23. Review status: criteria provided, single submitter. Criteria: Invitae Variant Classification Sherloc (09022015). Collection method: clinical testing. Allele origin: germline.
Comment: This sequence change replaces glutamic acid, which is acidic and polar, with glycine, which is neutral and non-polar, at codon 1917 of the ZFYVE26 protein (p.Glu1917Gly). This variant is not present in population databases (gnomAD no frequency). This variant has not been reported in the literature in individuals affected with ZFYVE26-related conditions. ClinVar contains an entry for this variant (Variation ID: 661625). Algorithms developed to predict the effect of missense changes on protein structure and function (SIFT, PolyPhen-2, Align-GVGD) all suggest that this variant is likely to be tolerated. In summary, the available evidence is currently insufficient to determine the role of this variant in disease. Therefore, it has been classified as a Variant of Uncertain Significance.

NM_015346.4(ZFYVE26):c.5750A>G (p.Glu1917Gly)

Gene: ZFYVE26 (zinc finger FYVE-type containing 26; minus strand). Cytogenetic location: 14q24.1.
Variant type: single nucleotide variant.
Coding change: c.5750A>G on transcript NM_015346.4 (MANE Select); coding-DNA position 5750, A replaced by G.
Protein change: p.Glu1917Gly; replaces glutamic acid 1917 with glycine.
Molecular consequence: missense variant.
Genome position (GRCh38, 1-based): chr14:67,767,744, T>C on the plus strand (A>G on the coding strand, the complement: ZFYVE26 is on the minus strand). VCF-style: chr14-67767744-T-C. GRCh37 (hg19) VCF-style: chr14-68234461-T-C.
Other names: short protein forms E1917G.
Identifiers: ClinVar variation 661625 (VCV000661625.4), dbSNP rs1594896697, ClinGen allele CA390166332.